The following is an entry in ClinVar:

NM_014159.7(SETD2):c.1986A>G (p.Gln662=)

Gene: SETD2 (SET domain containing 2, histone lysine methyltransferase; minus strand). Cytogenetic location: 3p21.31.
Variant type: single nucleotide variant.
Coding change: c.1986A>G on transcript NM_014159.7 (MANE Select); coding-DNA position 1986, A replaced by G.
Protein change: p.Gln662=; no amino-acid change (glutamine 662 retained).
Molecular consequence: synonymous variant. On other transcripts: non-coding transcript variant (1).
Genome position (GRCh38, 1-based): chr3:47,122,650, T>C on the plus strand (A>G on the coding strand, the complement: SETD2 is on the minus strand). VCF-style: chr3-47122650-T-C. GRCh37 (hg19) VCF-style: chr3-47164140-T-C.
Other names: c.1854A>G, p.Gln618= (NM_001349370.3).
Identifiers: ClinVar variation 771814 (VCV000771814.36), dbSNP rs146562413, ClinGen allele CA2363602.

ClinVar aggregate classification (germline): Likely benign. Review status: criteria provided, multiple submitters, no conflicts (2 of 4 stars). 5 submissions from 5 submitters: Likely benign (5). Last evaluated 2026-05-01.

Conditions:
Inborn genetic diseases. Identifiers: MedGen C0950123, MeSH D030342.
Luscan-Lumish syndrome. Identifiers: Orphanet 597738, MedGen C4085873, MONDO:0014791, OMIM 616831.

Allele frequency attached by ClinVar (database versions not stated): gnomAD exomes 0.00021 and 0.00028; ExAC 0.00025; gnomAD 0.00025 and 0.00026; TOPMed 0.00039; 1000 Genomes Project 0.00040; 1000 Genomes Project 30x 0.00047.
gnomAD v4.1: 350 of 1,613,382 alleles (0.022%); highest among the groups gnomAD compares: Admixed American, 0.033%; 1 homozygote.

Submissions (5):

CeGaT Center for Human Genetics Tuebingen
Classification: Likely benign. Last evaluated: 2026-05-01. Review status: criteria provided, single submitter. Criteria: CeGaT Center For Human Genetics Tuebingen Variant Classification Criteria Version 2. Collection method: clinical testing. Allele origin: germline. Affected: yes. Observed: 6 variant alleles.
Comment: SETD2: BP4, BP7

Labcorp Genetics (formerly Invitae), Labcorp
Classification: Likely benign for Luscan-Lumish syndrome. Last evaluated: 2025-12-26. Review status: criteria provided, single submitter. Criteria: Invitae Variant Classification Sherloc (09022015). Collection method: clinical testing. Allele origin: germline.

Blueprint Genetics
Classification: Likely benign. Last evaluated: 2024-11-25. Review status: criteria provided, single submitter. Criteria: ACMG Guidelines, 2015. Collection method: clinical testing. Allele origin: germline.

Ambry Genetics
Classification: Likely benign for Inborn genetic diseases. Last evaluated: 2024-02-14. Review status: criteria provided, single submitter. Criteria: Ambry Variant Classification Scheme 2023. Collection method: clinical testing. Allele origin: germline.

Breakthrough Genomics
Classification: Likely benign. Review status: criteria provided, single submitter. Criteria: ACMG Guidelines, 2015. Collection method: not provided. Allele origin: germline. Inheritance: Autosomal dominant inheritance. Affected: yes.